The following is an entry in ClinVar:

NM_005732.4(RAD50):c.1058T>C (p.Leu353Pro)

Gene: RAD50 (RAD50 double strand break repair protein; plus strand). Cytogenetic location: 5q31.1.
Variant type: single nucleotide variant.
Coding change: c.1058T>C on transcript NM_005732.4 (MANE Select); coding-DNA position 1058, T replaced by C.
Protein change: p.Leu353Pro; replaces leucine 353 with proline.
Molecular consequence: missense variant.
Genome position (GRCh38, 1-based): chr5:132,588,693, T>C. VCF-style: chr5-132588693-T-C. GRCh37 (hg19) VCF-style: chr5-131924385-T-C.
Other names: short protein forms L353P.
Identifiers: ClinVar variation 3786280 (VCV003786280.1).

ClinVar aggregate classification (germline): Uncertain significance (1 of 4 stars; one submission).

Conditions:
Hereditary cancer-predisposing syndrome. Also called: Neoplastic Syndromes, Hereditary; Hereditary Cancer Syndrome; Tumor predisposition; Hereditary neoplastic syndrome. Identifiers: Orphanet 140162, MedGen C0027672, MeSH D009386, MONDO:0015356.

Submission:

Ambry Genetics
Classification: Uncertain significance for Hereditary cancer-predisposing syndrome. Last evaluated: 2025-02-25. Review status: criteria provided, single submitter. Criteria: Ambry Variant Classification Scheme 2023. Collection method: clinical testing. Allele origin: germline.
Comment: The p.L353P variant (also known as c.1058T>C), located in coding exon 8 of the RAD50 gene, results from a T to C substitution at nucleotide position 1058. The leucine at codon 353 is replaced by proline, an amino acid with similar properties. This amino acid position is conserved. In addition, the in silico prediction for this alteration is inconclusive. Based on the available evidence, the clinical significance of this variant remains unclear.